The following is an entry in ClinVar:

ClinVar aggregate classification (germline): Uncertain significance (1 of 4 stars; one submission).

Submission:

Women's Health and Genetics/Laboratory Corporation of America, LabCorp
Classification: Uncertain significance. Last evaluated: 2025-12-18. Review status: criteria provided, single submitter. Criteria: LabCorp Variant Classification Summary - May 2015. Collection method: clinical testing. Allele origin: germline.
Comment: Variant summary: CYP27B1 c.1375C>A (p.Arg459Ser) results in a non-conservative amino acid change in the encoded protein sequence. Algorithms developed to predict the effect of missense changes on protein structure and function are either unavailable or do not agree on the potential impact of this missense change. The variant was absent in 251416 control chromosomes (gnomAD). To our knowledge, no occurrence of c.1375C>A in individuals affected with CYP27B1-related conditions and no experimental evidence demonstrating its impact on protein function have been reported. Other variants affecting the same codon have been classified as likely pathogenic/pathogenic by our lab (c.1376G>T/p.Arg459Leu, c.1376G>C/p.Arg459Pro), supporting the critical relevance of codon 459 to CYP27B1 protein function. No submitters have cited clinical-significance assessments for this variant to ClinVar. Based on the evidence outlined above, the variant was classified as VUS-possibly pathogenic.

NM_000785.4(CYP27B1):c.1375C>A (p.Arg459Ser)

Gene: CYP27B1 (cytochrome P450 family 27 subfamily B member 1; minus strand). Cytogenetic location: 12q14.1.
Variant type: single nucleotide variant.
Coding change: c.1375C>A on transcript NM_000785.4 (MANE Select); coding-DNA position 1375, C replaced by A.
Protein change: p.Arg459Ser; replaces arginine 459 with serine.
Molecular consequence: missense variant.
Genome position (GRCh38, 1-based): chr12:57,763,649, G>T on the plus strand (C>A on the coding strand, the complement: CYP27B1 is on the minus strand). VCF-style: chr12-57763649-G-T. GRCh37 (hg19) VCF-style: chr12-58157432-G-T.
Other names: short protein forms R459S.
Identifiers: ClinVar variation 4688228 (VCV004688228.1).
Genomic context (GRCh38, chr12:57,763,649, plus strand): 5'-GTATAAAATCTAGAGCACTCACCTGGGCCAAAGCCATTTGCAATTCAAGCTCTGCCAGGC[G>T]TCTCCCCATACAGCTGCGCTTGCCAAAGCCAAAGGGAAGAGATGCAAATGGGTGGGGGGT-3'
Protein context (NP_000776.1, residues 449-469): GFGKRSCMGR[Arg459Ser]LAELELQMAL